The following is an entry in ClinVar:

ClinVar aggregate classification (germline): Uncertain significance (1 of 4 stars; one submission).

Conditions:
Adult-onset proximal spinal muscular atrophy, autosomal dominant. Also called: FINKEL LATE-ADULT TYPE SMA; Spinal muscular atrophy, late-onset, finkel type. Identifiers: Orphanet 209335, MedGen C1854058, MONDO:0008453, OMIM 182980.
Amyotrophic lateral sclerosis type 8 (ALS8). Identifiers: Orphanet 803, MedGen C1837728, MONDO:0012077, OMIM 608627.

Submission:

Labcorp Genetics (formerly Invitae), Labcorp
Classification: Uncertain significance for Adult-onset proximal spinal muscular atrophy, autosomal dominant; Amyotrophic lateral sclerosis type 8. Last evaluated: 2022-08-30. Review status: criteria provided, single submitter. Criteria: Invitae Variant Classification Sherloc (09022015). Collection method: clinical testing. Allele origin: germline.
Comment: In summary, the available evidence is currently insufficient to determine the role of this variant in disease. Therefore, it has been classified as a Variant of Uncertain Significance. Algorithms developed to predict the effect of sequence changes on RNA splicing suggest that this variant may disrupt the consensus splice site. This variant has not been reported in the literature in individuals affected with VAPB-related conditions. This variant is not present in population databases (gnomAD no frequency). This sequence change falls in intron 2 of the VAPB gene. It does not directly change the encoded amino acid sequence of the VAPB protein.

NM_004738.5(VAPB):c.212-6_212-5insTTTTTTTTTTTTTTTTTTTTNNNNNNNNNNGTCCGCGGCTGCGGCCTGGGGAGCGGGTGCGCGTTGGTGGTGCGCGCGAGGGCGAGGGCCAGGGAGAGGGAGAGGGAGAGGGAGCGAAATATTTTCTTT

Gene: VAPB (VAMP associated protein B and C; plus strand). Cytogenetic location: 20q13.32.
Variant type: Insertion.
Coding change: c.212-6_212-5insTTTTTTTTTTTTTTTTTTTTNNNNNNNNNNGTCCGCGGCTGCGGCCTGGGGAGCGGGTGCGCGTTGGTGGTGCGCGCGAGGGCGAGGGCCAGGGAGAGGGAGAGGGAGAGGGAGCGAAATATTTTCTTT on transcript NM_004738.5 (MANE Select); 6 bases into the intron before coding-DNA position 212 through 5 bases into the intron before coding-DNA position 212, TTTTTTTTTTTTTTTTTTTTNNNNNNNNNNGTCCGCGGCTGCGGCCTGGGGAGCGGGTGCGCGTTGGTGGTGCGCGCGAGGGCGAGGGCCAGGGAGAGGGAGAGGGAGAGGGAGCGAAATATTTTCTTT inserted.
Molecular consequence: intron variant.
Genome position: GRCh38: chr20:58,434,596-58,434,597. GRCh37 (hg19): chr20:57,009,652-57,009,653.
Other names: c.212-9481_212-9480insTTTTTTTTTTTTTTTTTTTTNNNNNNNNNNGTCCGCGGCTGCGGCCTGGGGAGCGGGTGCGCGTTGGTGGTGCGCGCGAGGGCGAGGGCCAGGGAGAGGGAGAGGGAGAGGGAGCGAAATATTTTCTTT (NM_001195677.2).
Identifiers: ClinVar variation 2027924 (VCV002027924.4), dbSNP rs2516055560.